The following is an entry in ClinVar:

NM_001330078.2(NRXN1):c.435G>T (p.Arg145Ser)

Gene: NRXN1 (neurexin 1; minus strand). Cytogenetic location: 2p16.3.
Variant type: single nucleotide variant.
Coding change: c.435G>T on transcript NM_001330078.2 (MANE Select); coding-DNA position 435, G replaced by T.
Protein change: p.Arg145Ser; replaces arginine 145 with serine.
Molecular consequence: missense variant.
Genome position (GRCh38, 1-based): chr2:51,027,839, C>A on the plus strand (G>T on the coding strand, the complement: NRXN1 is on the minus strand). VCF-style: chr2-51027839-C-A. GRCh37 (hg19) VCF-style: chr2-51254977-C-A.
Other names: c.435G>T, p.Arg145Ser (NM_001135659.3, NM_001330077.2, NM_001330079.2 and 15 more transcripts); short protein forms R145S.
Identifiers: ClinVar variation 660194 (VCV000660194.9), dbSNP rs1303388955, ClinGen allele CA346824005.
Genomic context (GRCh38, chr2:51,027,839, plus strand): 5'-CGCGGCGCGCAGTTCCGGGGGCAGCCCCCCGACGAAAAGGCCGCTGAACACCGTCATGTC[C>A]CTGCGCTTGGACTTGACCTCCACCCACTTGGCCTCCACCTGGTCGATGAAGAGCGTGGTG-3'
Protein context (NP_001317007.1, residues 135-155): AKWVEVKSKR[Arg145Ser]DMTVFSGLFV

ClinVar aggregate classification (germline): Uncertain significance. Review status: criteria provided, multiple submitters, no conflicts (2 of 4 stars). 2 submissions from 2 submitters: Uncertain significance (2). Last evaluated 2024-09-16.

Conditions:
Pitt-Hopkins-like syndrome 2 (PTHSL2). Identifiers: Orphanet 221150, Orphanet 600663, MedGen C3280479, MONDO:0013690, OMIM 614325.

Allele frequency attached by ClinVar (database versions not stated): gnomAD exomes 0.00001; TOPMed 0.00001; gnomAD 0.00006.
gnomAD v4.1: 15 of 1,613,288 alleles (0.00093%); highest among the groups gnomAD compares: Admixed American, 0.0017%; no homozygotes.

Submissions (2):

Labcorp Genetics (formerly Invitae), Labcorp
Classification: Uncertain significance for Pitt-Hopkins-like syndrome 2. Last evaluated: 2024-09-16. Review status: criteria provided, single submitter. Criteria: Invitae Variant Classification Sherloc (09022015). Collection method: clinical testing. Allele origin: germline.
Comment: This sequence change replaces arginine, which is basic and polar, with serine, which is neutral and polar, at codon 145 of the NRXN1 protein (p.Arg145Ser). This variant is present in population databases (no rsID available, gnomAD 0.004%). This variant has not been reported in the literature in individuals affected with NRXN1-related conditions. ClinVar contains an entry for this variant (Variation ID: 660194). An algorithm developed to predict the effect of missense changes on protein structure and function (PolyPhen-2) suggests that this variant is likely to be tolerated. In summary, the available evidence is currently insufficient to determine the role of this variant in disease. Therefore, it has been classified as a Variant of Uncertain Significance.

GeneDx
Classification: Uncertain significance. Last evaluated: 2024-05-31. Review status: criteria provided, single submitter. Criteria: GeneDx Variant Classification Process June 2021. Collection method: clinical testing. Allele origin: germline. Affected: yes.
Comment: In silico analysis supports that this missense variant has a deleterious effect on protein structure/function; Missense variant in a gene in which most reported pathogenic variants are truncating/loss of function; Has not been previously published as pathogenic or benign to our knowledge